The following is an entry in ClinVar:

ClinVar aggregate classification (germline): Uncertain significance (1 of 4 stars; one submission).

gnomAD v4.1: 3 of 1,613,082 alleles (0.00019%); highest among the groups gnomAD compares: African/African-American, 0.0027%; no homozygotes.

Submission:

GeneDx
Classification: Uncertain significance. Last evaluated: 2024-03-01. Review status: criteria provided, single submitter. Criteria: GeneDx Variant Classification Process June 2021. Collection method: clinical testing. Allele origin: germline. Affected: yes.
Comment: Not observed at significant frequency in large population cohorts (gnomAD); In silico analysis supports that this missense variant does not alter protein structure/function; Has not been previously published as pathogenic or benign to our knowledge

NM_020297.4(ABCC9):c.3940A>G (p.Ile1314Val)

Genes: ABCC9 (ATP binding cassette subfamily C member 9; minus strand), KCNJ8-AS1 (KCNJ8 antisense RNA 1; plus strand). Cytogenetic location: 12p12.1.
Variant type: single nucleotide variant.
Coding change: c.3940A>G on transcript NM_020297.4 (MANE Select); coding-DNA position 3940, A replaced by G.
Protein change: p.Ile1314Val; replaces isoleucine 1314 with valine.
Molecular consequence: missense variant.
Genome position (GRCh38, 1-based): chr12:21,815,846, T>C on the plus strand (A>G on the coding strand, the complement: ABCC9 is on the minus strand). VCF-style: chr12-21815846-T-C. GRCh37 (hg19) VCF-style: chr12-21968780-T-C.
Other names: c.3940A>G, p.Ile1314Val (NM_001377273.1, NM_005691.4); c.3073A>G, p.Ile1025Val (NM_001377274.1); short protein forms I1025V, I1314V.
Identifiers: ClinVar variation 3340617 (VCV003340617.1).
Genomic context (GRCh38, chr12:21,815,846, plus strand): 5'-CCTTGACGTGCTTAAGAACAGGTTTCAGATTATTTTCATATCTGACACACAGATCATGTA[T>C]CTTGATCTCCCCTTCTTGTGGCCAATGTTCTGGAACTTGAGAAGGATCTGGAGGATGGGA-3'
Protein context (NP_064693.2, residues 1304-1324): EHWPQEGEIK[Ile1314Val]HDLCVRYENN